The following is an entry in ClinVar:

NM_004525.3(LRP2):c.8500A>G (p.Ile2834Val)

Gene: LRP2 (LDL receptor related protein 2; minus strand). Cytogenetic location: 2q31.1.
Variant type: single nucleotide variant.
Coding change: c.8500A>G on transcript NM_004525.3 (MANE Select); coding-DNA position 8500, A replaced by G.
Protein change: p.Ile2834Val; replaces isoleucine 2834 with valine.
Molecular consequence: missense variant.
Genome position (GRCh38, 1-based): chr2:169,198,864, T>C on the plus strand (A>G on the coding strand, the complement: LRP2 is on the minus strand). VCF-style: chr2-169198864-T-C. GRCh37 (hg19) VCF-style: chr2-170055374-T-C.
Other names: short protein forms I2834V.
Identifiers: ClinVar variation 1490677 (VCV001490677.5), dbSNP rs374622140, ClinGen allele CA1953841.

ClinVar aggregate classification (germline): Uncertain significance (1 of 4 stars; one submission).

Allele frequency attached by ClinVar (database versions not stated): gnomAD exomes below 0.00001; TOPMed below 0.00001; ExAC 0.00001; ESP Exome Variant Server 0.00008.
gnomAD v4.1: 1 of 1,613,906 alleles (0.000062%); highest among the groups gnomAD compares: Non-Finnish European, 0.000085%; no homozygotes.

Submission:

Labcorp Genetics (formerly Invitae), Labcorp
Classification: Uncertain significance. Last evaluated: 2021-09-01. Review status: criteria provided, single submitter. Criteria: Invitae Variant Classification Sherloc (09022015). Collection method: clinical testing. Allele origin: germline.
Comment: This sequence change replaces isoleucine with valine at codon 2834 of the LRP2 protein (p.Ile2834Val). The isoleucine residue is highly conserved and there is a small physicochemical difference between isoleucine and valine. The frequency data for this variant in the population databases is considered unreliable, as metrics indicate poor data quality at this position in the ExAC database. This variant has not been reported in the literature in individuals affected with LRP2-related conditions. Advanced modeling of protein sequence and biophysical properties (such as structural, functional, and spatial information, amino acid conservation, physicochemical variation, residue mobility, and thermodynamic stability) performed at Invitae indicates that this missense variant is not expected to disrupt LRP2 protein function. In summary, the available evidence is currently insufficient to determine the role of this variant in disease. Therefore, it has been classified as a Variant of Uncertain Significance.